The following is an entry in ClinVar:

ClinVar aggregate classification (germline): Uncertain significance. Review status: criteria provided, multiple submitters, no conflicts (2 of 4 stars). 2 submissions from 2 submitters: Uncertain significance (2). Last evaluated 2025-06-07.

Conditions:
Inborn genetic diseases. Identifiers: MedGen C0950123, MeSH D030342.

Allele frequency attached by ClinVar (database versions not stated): gnomAD exomes below 0.00001.
gnomAD v4.1: 2 of 1,614,170 alleles (0.00012%); highest among the groups gnomAD compares: Non-Finnish European, 0.00017%; no homozygotes.

Submissions (2):

Ambry Genetics
Classification: Uncertain significance for Inborn genetic diseases. Last evaluated: 2025-06-07. Review status: criteria provided, single submitter. Criteria: Ambry Variant Classification Scheme 2023. Collection method: clinical testing. Allele origin: germline.

Labcorp Genetics (formerly Invitae), Labcorp
Classification: Uncertain significance. Last evaluated: 2022-05-03. Review status: criteria provided, single submitter. Criteria: Invitae Variant Classification Sherloc (09022015). Collection method: clinical testing. Allele origin: germline.
Comment: This sequence change replaces glutamine, which is neutral and polar, with arginine, which is basic and polar, at codon 1611 of the C2CD3 protein (p.Gln1611Arg). This variant is present in population databases (no rsID available, gnomAD 0.0009%). This variant has not been reported in the literature in individuals affected with C2CD3-related conditions. Algorithms developed to predict the effect of missense changes on protein structure and function (SIFT, PolyPhen-2, Align-GVGD) all suggest that this variant is likely to be tolerated. In summary, the available evidence is currently insufficient to determine the role of this variant in disease. Therefore, it has been classified as a Variant of Uncertain Significance.

NM_001286577.2(C2CD3):c.4832A>G (p.Gln1611Arg)

Gene: C2CD3 (C2 domain containing 3 centriole elongation regulator; minus strand). Cytogenetic location: 11q13.4.
Variant type: single nucleotide variant.
Coding change: c.4832A>G on transcript NM_001286577.2 (MANE Select); coding-DNA position 4832, A replaced by G.
Protein change: p.Gln1611Arg; replaces glutamine 1611 with arginine.
Molecular consequence: missense variant.
Genome position (GRCh38, 1-based): chr11:74,074,372, T>C on the plus strand (A>G on the coding strand, the complement: C2CD3 is on the minus strand). VCF-style: chr11-74074372-T-C. GRCh37 (hg19) VCF-style: chr11-73785417-T-C.
Other names: c.4832A>G, p.Gln1611Arg (NM_015531.6); c.4832A>G (NM_015531.4); short protein forms Q1611R.
Identifiers: ClinVar variation 1924649 (VCV001924649.6), dbSNP rs1406236021, ClinGen allele CA381814749.